The following is an entry in ClinVar:

ClinVar aggregate classification (germline): Uncertain significance (1 of 4 stars; one submission).

Conditions:
Left ventricular noncompaction 8 (LVNC8). Identifiers: Orphanet 154, Orphanet 54260, MedGen C3809288, MONDO:0014152, OMIM 615373.

Allele frequency attached by ClinVar (database versions not stated): TOPMed 0.00001.
gnomAD v4.1: 2 of 1,612,098 alleles (0.00012%); highest among the groups gnomAD compares: South Asian, 0.0011%; no homozygotes.

Submission:

Labcorp Genetics (formerly Invitae), Labcorp
Classification: Uncertain significance for Left ventricular noncompaction 8. Last evaluated: 2022-02-25. Review status: criteria provided, single submitter. Criteria: Invitae Variant Classification Sherloc (09022015). Collection method: clinical testing. Allele origin: germline.
Comment: This variant is present in population databases (no rsID available, gnomAD 0.003%). This sequence change replaces arginine, which is basic and polar, with histidine, which is basic and polar, at codon 231 of the PRDM16 protein (p.Arg231His). This missense change has been observed in individual(s) with dilated cardiomyopathy (PMID: 32880476). In summary, the available evidence is currently insufficient to determine the role of this variant in disease. Therefore, it has been classified as a Variant of Uncertain Significance. Algorithms developed to predict the effect of missense changes on protein structure and function are either unavailable or do not agree on the potential impact of this missense change (SIFT: "Deleterious"; PolyPhen-2: "Possibly Damaging"; Align-GVGD: "Class C0").

Literature cited by the submitters: PubMed 32880476.

NM_022114.4(PRDM16):c.692G>A (p.Arg231His)

Gene: PRDM16 (PR/SET domain 16; plus strand). Cytogenetic location: 1p36.32.
Variant type: single nucleotide variant.
Coding change: c.692G>A on transcript NM_022114.4 (MANE Select); coding-DNA position 692, G replaced by A.
Protein change: p.Arg231His; replaces arginine 231 with histidine.
Molecular consequence: missense variant.
Genome position (GRCh38, 1-based): chr1:3,402,806, G>A. VCF-style: chr1-3402806-G-A. GRCh37 (hg19) VCF-style: chr1-3319370-G-A.
Other names: c.692G>A, p.Arg231His (NM_199454.3); short protein forms R231H.
Identifiers: ClinVar variation 2186215 (VCV002186215.4), dbSNP rs1407647352, ClinGen allele CA338002997.